The following is an entry in ClinVar:

NM_000147.5(FUCA1):c.389+4A>C

Genes: FUCA1 (alpha-L-fucosidase 1; minus strand), LOC129929685 (ATAC-STARR-seq lymphoblastoid silent region 427; plus strand). Cytogenetic location: 1p36.11.
Variant type: single nucleotide variant.
Coding change: c.389+4A>C on transcript NM_000147.5 (MANE Select); 4 bases into the intron after coding-DNA position 389, A replaced by C.
Molecular consequence: intron variant. On other transcripts: non-coding transcript variant (2).
Genome position (GRCh38, 1-based): chr1:23,867,894, T>G on the plus strand (A>C on the coding strand, the complement: FUCA1 is on the minus strand). VCF-style: chr1-23867894-T-G. GRCh37 (hg19) VCF-style: chr1-24194384-T-G.
Identifiers: ClinVar variation 2750156 (VCV002750156.3), dbSNP rs2521758677, ClinGen allele CA2697552283.

ClinVar aggregate classification (germline): Uncertain significance (1 of 4 stars; one submission).

Conditions:
Fucosidosis. Also called: ALPHA-L-FUCOSIDASE DEFICIENCY. Identifiers: Orphanet 349, MedGen C0016788, MONDO:0009254, OMIM 230000.

Submission:

Labcorp Genetics (formerly Invitae), Labcorp
Classification: Uncertain significance for Fucosidosis. Last evaluated: 2023-08-14. Review status: criteria provided, single submitter. Criteria: Invitae Variant Classification Sherloc (09022015). Collection method: clinical testing. Allele origin: germline.
Comment: This sequence change falls in intron 1 of the FUCA1 gene. It does not directly change the encoded amino acid sequence of the FUCA1 protein. It affects a nucleotide within the consensus splice site. This variant is not present in population databases (gnomAD no frequency). This variant has not been reported in the literature in individuals affected with FUCA1-related conditions. Variants that disrupt the consensus splice site are a relatively common cause of aberrant splicing (PMID: 17576681, 9536098). Algorithms developed to predict the effect of sequence changes on RNA splicing suggest that this variant may create or strengthen a splice site. In summary, the available evidence is currently insufficient to determine the role of this variant in disease. Therefore, it has been classified as a Variant of Uncertain Significance.

Literature cited by the submitters: PubMed 17576681; PubMed 9536098.